The following is an entry in ClinVar:

NM_031157.4(HNRNPA1):c.491-12T>G

Gene: HNRNPA1 (heterogeneous nuclear ribonucleoprotein A1; plus strand). Cytogenetic location: 12q13.13.
Variant type: single nucleotide variant.
Coding change: c.491-12T>G on transcript NM_031157.4 (MANE Select); 12 bases into the intron before coding-DNA position 491, T replaced by G.
Molecular consequence: intron variant.
Genome position (GRCh38, 1-based): chr12:54,282,382, T>G. VCF-style: chr12-54282382-T-G. GRCh37 (hg19) VCF-style: chr12-54676166-T-G.
Other names: c.491-12T>G (NM_002136.4).
Identifiers: ClinVar variation 4853299 (VCV004853299.1).

ClinVar aggregate classification (germline): Likely benign (1 of 4 stars; one submission).

gnomAD v4.1: 109 of 1,466,170 alleles (0.0074%); highest among the groups gnomAD compares: Non-Finnish European, 0.0089%; no homozygotes.

Submission:

Women's Health and Genetics/Laboratory Corporation of America, LabCorp
Classification: Likely benign. Last evaluated: 2026-05-28. Review status: criteria provided, single submitter. Criteria: LabCorp Variant Classification Summary - May 2015. Collection method: clinical testing. Allele origin: germline.
Comment: Variant summary: HNRNPA1 c.491-12T>G alters a nucleotide located at a position not widely known to affect splicing. Consensus agreement among computation tools predict no significant impact on normal splicing. However, these predictions have yet to be confirmed by functional studies. The variant allele was found at a frequency of 6.7e-05 in 179796 control chromosomes. This frequency is not significantly higher than estimated for disease-causing variants in HNRNPA1, allowing no conclusion about variant significance. To our knowledge, no occurrence of c.491-12T>G in individuals affected with HNRNPA1-related conditions and no experimental evidence demonstrating its impact on protein function have been reported. No submitters have cited clinical-significance assessments for this variant to ClinVar. Based on the evidence outlined above, the variant was classified as likely benign.